The following is an entry in ClinVar:

NM_000782.5(CYP24A1):c.278del (p.Tyr93fs)

Gene: CYP24A1 (cytochrome P450 family 24 subfamily A member 1; minus strand). Cytogenetic location: 20q13.2.
Variant type: Deletion.
Coding change: c.278del on transcript NM_000782.5 (MANE Select); coding-DNA position 278, one base deleted (A; older notation c.278delA).
Protein change: p.Tyr93fs; shifts the reading frame from tyrosine 93.
Molecular consequence: frameshift variant.
Genome position (GRCh38, 1-based): chr20:54,173,080, T deleted on the plus strand (A on the coding strand, the reverse complement: CYP24A1 is on the minus strand). VCF-style (leftmost placement, unchanged base first): chr20-54173079-AT-A. GRCh37 (hg19) VCF-style: chr20-52789618-AT-A.
Other names: c.278del, p.Tyr93fs (NM_001128915.2); short protein forms Y93fs.
Identifiers: ClinVar variation 1075791 (VCV001075791.7), dbSNP rs2146514141, ClinGen allele CA2499225784.

ClinVar aggregate classification (germline): Pathogenic (1 of 4 stars; one submission).

Allele frequency attached by ClinVar (database versions not stated): gnomAD exomes below 0.00001.

Submission:

Labcorp Genetics (formerly Invitae), Labcorp
Classification: Pathogenic. Last evaluated: 2020-01-15. Review status: criteria provided, single submitter. Criteria: Invitae Variant Classification Sherloc (09022015). Collection method: clinical testing. Allele origin: germline.
Comment: For these reasons, this variant has been classified as Pathogenic. This variant is not present in population databases (ExAC no frequency). This variant has not been reported in the literature in individuals with CYP24A1-related conditions. Loss-of-function variants in CYP24A1 are known to be pathogenic (PMID: 21675912). This sequence change creates a premature translational stop signal (p.Tyr93Leufs*7) in the CYP24A1 gene. It is expected to result in an absent or disrupted protein product.

Literature cited by the submitters: PubMed 21675912.